The following is an entry in ClinVar:

ClinVar aggregate classification (germline): Benign. Review status: criteria provided, single submitter (1 of 4 stars). 2 submissions from 2 submitters: Benign (1). 1 of the submissions does not count toward it. Last evaluated 2018-08-10.

Allele frequency attached by ClinVar (database versions not stated): ExAC 0.03881; gnomAD 0.08126; TOPMed 0.08426; 1000 Genomes Project 0.08686; ESP Exome Variant Server 0.08717; 1000 Genomes Project 30x 0.09260.
gnomAD v4.1: 44,788 of 1,583,532 alleles (2.8%); highest among the groups gnomAD compares: African/African-American, 23%; 2,437 homozygotes.

Submissions (2):

GeneDx
Classification: Benign. Last evaluated: 2018-08-10. Review status: criteria provided, single submitter. Criteria: GeneDx Variant Classification Process June 2021. Collection method: clinical testing. Allele origin: germline. Affected: yes.

Genetic Services Laboratory, University of Chicago
Classification: Likely benign for AllHighlyPenetrant. Review status: no assertion criteria provided. Collection method: clinical testing. Allele origin: germline. Inheritance: Autosomal dominant inheritance. Observed: 14 variant alleles. Not counted in ClinVar's aggregate classification.
Comment: Likely benign based on allele frequency in 1000 Genomes Project or ESP global frequency and its presence in a patient with a rare or unrelated disease phenotype. NOT Sanger confirmed.

NM_001374828.1(ARID1B):c.3235+38C>T

Gene: ARID1B (AT-rich interaction domain 1B; plus strand). Cytogenetic location: 6q25.3.
Variant type: single nucleotide variant.
Coding change: c.3235+38C>T on transcript NM_001374828.1 (MANE Select); 38 bases into the intron after coding-DNA position 3235, C replaced by T.
Molecular consequence: intron variant.
Genome position (GRCh38, 1-based): chr6:157,167,223, C>T. VCF-style: chr6-157167223-C-T. GRCh37 (hg19) VCF-style: chr6-157488357-C-T.
Other names: c.3025+38C>T (NM_020732.3); c.3274+38C>T (NM_001371656.1, NM_001374820.1); c.3235+38C>T (NM_017519.3); c.736+38C>T (NM_001363725.2).
Identifiers: ClinVar variation 126325 (VCV000126325.9), dbSNP rs9384530, ClinGen allele CA151049.